The following is an entry in ClinVar:

ClinVar aggregate classification (germline): Uncertain significance (1 of 4 stars; one submission).

Conditions:
IQGAP1-related disorder. Also called: IQGAP1-related condition.

Allele frequency attached by ClinVar (database versions not stated): TOPMed 0.00001; gnomAD exomes 0.00002; gnomAD 0.00003; ExAC 0.00012.

Submission:

PreventionGenetics, part of Exact Sciences
Classification: Uncertain significance for IQGAP1-related condition. Last evaluated: 2023-02-05. Review status: criteria provided, single submitter. Criteria: ACMG Guidelines, 2015. Collection method: clinical testing. Allele origin: germline.
Comment: The IQGAP1 c.553A>G variant is predicted to result in the amino acid substitution p.Met185Val. To our knowledge, this variant has not been reported in the literature. This variant is reported in 0.12% of alleles in individuals of East Asian descent in gnomAD. At this time, the clinical significance of this variant is uncertain due to the absence of conclusive functional and genetic evidence.

NM_003870.4(IQGAP1):c.553A>G (p.Met185Val)

Gene: IQGAP1 (IQ motif containing GTPase activating protein 1; plus strand). Cytogenetic location: 15q26.1.
Variant type: single nucleotide variant.
Coding change: c.553A>G on transcript NM_003870.4 (MANE Select); coding-DNA position 553, A replaced by G.
Protein change: p.Met185Val; replaces methionine 185 with valine.
Molecular consequence: missense variant.
Genome position (GRCh38, 1-based): chr15:90,440,519, A>G. VCF-style: chr15-90440519-A-G. GRCh37 (hg19) VCF-style: chr15-90983751-A-G.
Other names: short protein forms M185V.
Identifiers: ClinVar variation 2629166 (VCV002629166.1), dbSNP rs745920816, ClinGen allele CA7736251.